The following is an entry in ClinVar:

ClinVar aggregate classification (germline): Uncertain significance (1 of 4 stars; one submission).

Allele frequency attached by ClinVar (database versions not stated): TOPMed below 0.00001.
gnomAD v4.1: 2 of 1,608,324 alleles (0.00012%); no homozygotes.

Submission:

Labcorp Genetics (formerly Invitae), Labcorp
Classification: Uncertain significance. Last evaluated: 2023-01-18. Review status: criteria provided, single submitter. Criteria: Invitae Variant Classification Sherloc (09022015). Collection method: clinical testing. Allele origin: germline.
Comment: In summary, the available evidence is currently insufficient to determine the role of this variant in disease. Therefore, it has been classified as a Variant of Uncertain Significance. Advanced modeling of protein sequence and biophysical properties (such as structural, functional, and spatial information, amino acid conservation, physicochemical variation, residue mobility, and thermodynamic stability) performed at Invitae indicates that this missense variant is not expected to disrupt ACAN protein function. ClinVar contains an entry for this variant (Variation ID: 1349915). This variant has not been reported in the literature in individuals affected with ACAN-related conditions. This variant is not present in population databases (gnomAD no frequency). This sequence change replaces asparagine, which is neutral and polar, with serine, which is neutral and polar, at codon 602 of the ACAN protein (p.Asn602Ser).

NM_001369268.1(ACAN):c.1805A>G (p.Asn602Ser)

Gene: ACAN (aggrecan; plus strand). Cytogenetic location: 15q26.1.
Variant type: single nucleotide variant.
Coding change: c.1805A>G on transcript NM_001369268.1 (MANE Select); coding-DNA position 1805, A replaced by G.
Protein change: p.Asn602Ser; replaces asparagine 602 with serine.
Molecular consequence: missense variant.
Genome position (GRCh38, 1-based): chr15:88,849,510, A>G. VCF-style: chr15-88849510-A-G. GRCh37 (hg19) VCF-style: chr15-89392741-A-G.
Other names: c.1805A>G, p.Asn602Ser (NM_001135.4, NM_013227.4); short protein forms N602S.
Identifiers: ClinVar variation 1349915 (VCV001349915.8), dbSNP rs1896879096, ClinGen allele CA393711465.